The following is an entry in ClinVar:

ClinVar aggregate classification (germline): Uncertain significance (1 of 4 stars; one submission).

gnomAD v4.1: 1 of 1,614,060 alleles (0.000062%); no homozygotes.

Submission:

GeneDx
Classification: Uncertain significance. Last evaluated: 2022-01-19. Review status: criteria provided, single submitter. Criteria: GeneDx Variant Classification Process June 2021. Collection method: clinical testing. Allele origin: germline. Affected: yes.
Comment: Not observed at significant frequency in large population cohorts (gnomAD); In silico analysis supports that this missense variant does not alter protein structure/function; Has not been previously published as pathogenic or benign to our knowledge

NM_001312909.2(FAM111A):c.169G>A (p.Ala57Thr)

Gene: FAM111A (FAM111 trypsin like peptidase A; plus strand). Cytogenetic location: 11q12.1.
Variant type: single nucleotide variant.
Coding change: c.169G>A on transcript NM_001312909.2 (MANE Select); coding-DNA position 169, G replaced by A.
Protein change: p.Ala57Thr; replaces alanine 57 with threonine.
Molecular consequence: missense variant.
Genome position (GRCh38, 1-based): chr11:59,151,837, G>A. VCF-style: chr11-59151837-G-A. GRCh37 (hg19) VCF-style: chr11-58919310-G-A.
Other names: c.169G>A, p.Ala57Thr (NM_001142519.3, NM_001142520.3, NM_001142521.3 and 29 more transcripts); short protein forms A57T.
Identifiers: ClinVar variation 1698154 (VCV001698154.2), dbSNP rs2135477077, ClinGen allele CA380771165.